The following is an entry in ClinVar:

NM_004064.5(CDKN1B):c.444C>G (p.Cys148Trp)

Gene: CDKN1B (cyclin dependent kinase inhibitor 1B; plus strand). Cytogenetic location: 12p13.1.
Variant type: single nucleotide variant.
Coding change: c.444C>G on transcript NM_004064.5 (MANE Select); coding-DNA position 444, C replaced by G.
Protein change: p.Cys148Trp; replaces cysteine 148 with tryptophan.
Molecular consequence: missense variant.
Genome position (GRCh38, 1-based): chr12:12,718,283, C>G. VCF-style: chr12-12718283-C-G. GRCh37 (hg19) VCF-style: chr12-12871217-C-G.
Other names: c.444C>G (NM_004064.3); short protein forms C148W.
Identifiers: ClinVar variation 2799856 (VCV002799856.4), dbSNP rs1302236491, ClinGen allele CA383970815.

ClinVar aggregate classification (germline): Uncertain significance. Review status: criteria provided, multiple submitters, no conflicts (2 of 4 stars). 2 submissions from 2 submitters: Uncertain significance (2). Last evaluated 2024-01-06.

Conditions:
Multiple endocrine neoplasia type 4. Also called: MULTIPLE ENDOCRINE NEOPLASIA, TYPE IV. Identifiers: Orphanet 276152, MedGen C1970712, MONDO:0012552, OMIM 610755.
Hereditary cancer-predisposing syndrome. Also called: Hereditary neoplastic syndrome; Neoplastic Syndromes, Hereditary; Tumor predisposition; Hereditary Cancer Syndrome. Identifiers: Orphanet 140162, MedGen C0027672, MeSH D009386, MONDO:0015356.

Submissions (2):

Ambry Genetics
Classification: Uncertain significance for Hereditary cancer-predisposing syndrome. Last evaluated: 2024-01-06. Review status: criteria provided, single submitter. Criteria: Ambry Variant Classification Scheme 2023. Collection method: clinical testing. Allele origin: germline.
Comment: The p.C148W variant (also known as c.444C>G), located in coding exon 1 of the CDKN1B gene, results from a C to G substitution at nucleotide position 444. The cysteine at codon 148 is replaced by tryptophan, an amino acid with highly dissimilar properties. This amino acid position is conserved. In addition, the in silico prediction for this alteration is inconclusive. Since supporting evidence is limited at this time, the clinical significance of this alteration remains unclear.

Labcorp Genetics (formerly Invitae), Labcorp
Classification: Uncertain significance for Multiple endocrine neoplasia type 4. Last evaluated: 2023-11-28. Review status: criteria provided, single submitter. Criteria: Invitae Variant Classification Sherloc (09022015). Collection method: clinical testing. Allele origin: germline.
Comment: This sequence change replaces cysteine, which is neutral and slightly polar, with tryptophan, which is neutral and slightly polar, at codon 148 of the CDKN1B protein (p.Cys148Trp). This variant is not present in population databases (gnomAD no frequency). This variant has not been reported in the literature in individuals affected with CDKN1B-related conditions. An algorithm developed to predict the effect of missense changes on protein structure and function (PolyPhen-2) suggests that this variant is likely to be disruptive. In summary, the available evidence is currently insufficient to determine the role of this variant in disease. Therefore, it has been classified as a Variant of Uncertain Significance.